The following is an entry in ClinVar:

NM_005050.4(ABCD4):c.511C>T (p.Leu171Phe)

Gene: ABCD4 (ATP binding cassette subfamily D member 4; minus strand). Cytogenetic location: 14q24.3.
Variant type: single nucleotide variant.
Coding change: c.511C>T on transcript NM_005050.4 (MANE Select); coding-DNA position 511, C replaced by T.
Protein change: p.Leu171Phe; replaces leucine 171 with phenylalanine.
Molecular consequence: missense variant. On other transcripts: synonymous variant (3), 5 prime UTR variant (9), non-coding transcript variant (10).
Genome position (GRCh38, 1-based): chr14:74,296,364, G>A on the plus strand (C>T on the coding strand, the complement: ABCD4 is on the minus strand). VCF-style: chr14-74296364-G-A. GRCh37 (hg19) VCF-style: chr14-74763067-G-A.
Other names: c.511C>T, p.Leu171Phe (NM_001353591.2, NM_001353592.2, NM_020325.3); c.250C>T, p.Leu84Phe (NM_001353593.2, NM_001353594.2); c.102C>T, p.Pro34= (NM_001353595.2, NM_001353596.2, NM_001353597.2); c.34C>T, p.Leu12Phe (NM_001353598.2, NM_001353599.2, NM_001353600.2 and 2 more transcripts); c.-179C>T (NM_001353602.2, NM_001353608.2); c.-184C>T (NM_001353603.2, NM_001353604.2, NM_001353605.2 and 4 more transcripts); c.382C>T, p.Leu128Phe (NM_020323.1); short protein forms L171F, L128F, L12F, L84F.
Identifiers: ClinVar variation 1946809 (VCV001946809.8), dbSNP rs199576160, ClinGen allele CA7267197.

ClinVar aggregate classification (germline): Uncertain significance. Review status: criteria provided, multiple submitters, no conflicts (2 of 4 stars). 2 submissions from 2 submitters: Uncertain significance (2). Last evaluated 2025-08-27.

Conditions:
Inborn genetic diseases. Identifiers: MedGen C0950123, MeSH D030342.
Methylmalonic acidemia with homocystinuria, type cblJ (MAHCJ). Also called: METHYLMALONIC ACIDURIA AND HOMOCYSTINURIA, cblJ TYPE. Identifiers: Orphanet 369955, MedGen C3553915, MONDO:0013925, OMIM 614857.

Allele frequency attached by ClinVar (database versions not stated): gnomAD exomes below 0.00001; ExAC 0.00001; TOPMed 0.00009; ESP Exome Variant Server 0.00015.
gnomAD v4.1: 15 of 1,614,092 alleles (0.00093%); highest among the groups gnomAD compares: African/African-American, 0.019%; no homozygotes.

Submissions (2):

Ambry Genetics
Classification: Uncertain significance for Inborn genetic diseases. Last evaluated: 2025-08-27. Review status: criteria provided, single submitter. Criteria: Ambry Variant Classification Scheme 2023. Collection method: clinical testing. Allele origin: germline.

Labcorp Genetics (formerly Invitae), Labcorp
Classification: Uncertain significance for Methylmalonic acidemia with homocystinuria, type cblJ. Last evaluated: 2022-08-19. Review status: criteria provided, single submitter. Criteria: Invitae Variant Classification Sherloc (09022015). Collection method: clinical testing. Allele origin: germline.
Comment: This sequence change replaces leucine, which is neutral and non-polar, with phenylalanine, which is neutral and non-polar, at codon 171 of the ABCD4 protein (p.Leu171Phe). This variant is present in population databases (rs199576160, gnomAD 0.03%). This variant has not been reported in the literature in individuals affected with ABCD4-related conditions. Advanced modeling of protein sequence and biophysical properties (such as structural, functional, and spatial information, amino acid conservation, physicochemical variation, residue mobility, and thermodynamic stability) performed at Invitae indicates that this missense variant is not expected to disrupt ABCD4 protein function. In summary, the available evidence is currently insufficient to determine the role of this variant in disease. Therefore, it has been classified as a Variant of Uncertain Significance.